The following is an entry in ClinVar:

NM_005120.3(MED12):c.3989T>G (p.Leu1330Arg)

Gene: MED12 (mediator complex subunit 12; plus strand). Cytogenetic location: Xq13.1.
Variant type: single nucleotide variant.
Coding change: c.3989T>G on transcript NM_005120.3 (MANE Select); coding-DNA position 3989, T replaced by G.
Protein change: p.Leu1330Arg; replaces leucine 1330 with arginine.
Molecular consequence: missense variant.
Genome position (GRCh38, 1-based): chrX:71,130,156, T>G. VCF-style: chrX-71130156-T-G. GRCh37 (hg19) VCF-style: chrX-70350006-T-G.
Other names: short protein forms L1330R.
Identifiers: ClinVar variation 211474 (VCV000211474.9), dbSNP rs797045699, ClinGen allele CA207271.

ClinVar aggregate classification (germline): Uncertain significance. Review status: criteria provided, multiple submitters, no conflicts (2 of 4 stars). 2 submissions from 2 submitters: Uncertain significance (2). Last evaluated 2023-11-22.

Conditions:
FG syndrome (FGS). Identifiers: MedGen C0220769, MONDO:0002010.

Submissions (2):

Labcorp Genetics (formerly Invitae), Labcorp
Classification: Uncertain significance for FG syndrome. Last evaluated: 2023-11-22. Review status: criteria provided, single submitter. Criteria: Invitae Variant Classification Sherloc (09022015). Collection method: clinical testing. Allele origin: germline.
Comment: This sequence change replaces leucine, which is neutral and non-polar, with arginine, which is basic and polar, at codon 1330 of the MED12 protein (p.Leu1330Arg). This variant is not present in population databases (gnomAD no frequency). This variant has not been reported in the literature in individuals affected with MED12-related conditions. ClinVar contains an entry for this variant (Variation ID: 211474). Advanced modeling of protein sequence and biophysical properties (such as structural, functional, and spatial information, amino acid conservation, physicochemical variation, residue mobility, and thermodynamic stability) performed at Invitae indicates that this missense variant is not expected to disrupt MED12 protein function with a negative predictive value of 95%. In summary, the available evidence is currently insufficient to determine the role of this variant in disease. Therefore, it has been classified as a Variant of Uncertain Significance.

Genetic Services Laboratory, University of Chicago
Classification: Uncertain significance. Last evaluated: 2014-09-05. Review status: criteria provided, single submitter. Criteria: ACMG Guidelines, 2015. Collection method: clinical testing. Allele origin: germline.